The following is an entry in ClinVar:

ClinVar aggregate classification (germline): Uncertain significance (1 of 4 stars; one submission).

Conditions:
Atypical hemolytic-uremic syndrome. Identifiers: Orphanet 2134, MedGen C2931788, MONDO:0016244.

gnomAD v4.1: 1 of 1,614,064 alleles (0.000062%); highest among the groups gnomAD compares: Non-Finnish European, 0.000085%; no homozygotes.

Submission:

Genomenon, Inc
Classification: Uncertain significance for Atypical hemolytic-uremic syndrome. Last evaluated: 2025-10-02. Review status: criteria provided, single submitter. Criteria: Genomenon Sequence Variant Interpretation Standards - Updated. Collection method: curation. Allele origin: germline. Affected: yes.
Comment: CFH p.His1165Asp (c.3493C>G) is a missense variant that changes the amino acid at residue 1165 from Histidine to Aspartic acid. This variant has been observed in at least one proband affected with atypical hemolytic-uremic syndrome (PMID:37744338). It is absent or not present at a significant frequency in gnomAD. In silico models agree that this variant is not damaging. In conclusion, we classify CFH p.His1165Asp (c.3493C>G) as a variant of uncertain significance.

Literature cited by the submitters: PubMed 37744338.

NM_000186.4(CFH):c.3493C>G (p.His1165Asp)

Gene: CFH (complement factor H; plus strand). Cytogenetic location: 1q31.3.
Variant type: single nucleotide variant.
Coding change: c.3493C>G on transcript NM_000186.4 (MANE Select); coding-DNA position 3493, C replaced by G.
Protein change: p.His1165Asp; replaces histidine 1165 with aspartic acid.
Molecular consequence: missense variant.
Genome position (GRCh38, 1-based): chr1:196,745,999, C>G. VCF-style: chr1-196745999-C-G. GRCh37 (hg19) VCF-style: chr1-196715129-C-G.
Other names: short protein forms H1165D.
Identifiers: ClinVar variation 4291589 (VCV004291589.1).